The following is an entry in ClinVar:

NM_020877.5(DNAH2):c.1904+345A>G

Gene: DNAH2 (dynein axonemal heavy chain 2; plus strand). Cytogenetic location: 17p13.1.
Variant type: single nucleotide variant.
Coding change: c.1904+345A>G on transcript NM_020877.5 (MANE Select); 345 bases into the intron after coding-DNA position 1904, A replaced by G.
Molecular consequence: intron variant. On other transcripts: missense variant (1).
Genome position (GRCh38, 1-based): chr17:7,743,487, A>G. VCF-style: chr17-7743487-A-G. GRCh37 (hg19) VCF-style: chr17-7646805-A-G.
Other names: c.2495A>G, p.Gln832Arg (NM_001303270.2); short protein forms Q832R.
Identifiers: ClinVar variation 3037769 (VCV003037769.2), dbSNP rs181090270, ClinGen allele CA8356319.

ClinVar aggregate classification (germline): Likely benign (0 of 4 stars; one submission).

Conditions:
DNAH2-related disorder. Also called: DNAH2-related condition.

Allele frequency attached by ClinVar (database versions not stated): 1000 Genomes Project 0.00160; gnomAD 0.00164; TOPMed 0.00208; 1000 Genomes Project 30x 0.00250.
gnomAD v4.1: 1,214 of 642,438 alleles (0.19%); highest among the groups gnomAD compares: Admixed American, 0.37%; 4 homozygotes.

Submission:

PreventionGenetics, part of Exact Sciences
Classification: Likely benign for DNAH2-related condition. Last evaluated: 2023-06-06. Review status: no assertion criteria provided. Collection method: clinical testing. Allele origin: germline.
Comment: This variant is classified as likely benign based on ACMG/AMP sequence variant interpretation guidelines (Richards et al. 2015 PMID: 25741868, with internal and published modifications).